The following is an entry in ClinVar:

ClinVar aggregate classification (germline): Pathogenic/Likely pathogenic. Review status: criteria provided, multiple submitters, no conflicts (2 of 4 stars). 2 submissions from 2 submitters: Pathogenic (1); Likely pathogenic (1). Last evaluated 2023-01-16.

Submissions (2):

Revvity Omics, Revvity
Classification: Likely pathogenic. Last evaluated: 2023-01-16. Review status: criteria provided, single submitter. Criteria: ACMG Guidelines, 2015. Collection method: clinical testing. Allele origin: germline.

CeGaT Center for Human Genetics Tuebingen
Classification: Pathogenic. Last evaluated: 2022-11-01. Review status: criteria provided, single submitter. Criteria: CeGaT Center For Human Genetics Tuebingen Variant Classification Criteria Version 2. Collection method: clinical testing. Allele origin: germline. Affected: yes. Observed: 4 variant alleles.
Comment: SLC4A1: PVS1, PM2, PP1

NM_000342.4(SLC4A1):c.1890+1G>A

Gene: SLC4A1 (solute carrier family 4 member 1 (Diego blood group); minus strand). Cytogenetic location: 17q21.31.
Variant type: single nucleotide variant.
Coding change: c.1890+1G>A on transcript NM_000342.4 (MANE Select); the canonical splice donor site of the intron after coding-DNA position 1890, G replaced by A.
Molecular consequence: splice donor variant.
Genome position (GRCh38, 1-based): chr17:44,255,206, C>T on the plus strand (G>A on the coding strand, the complement: SLC4A1 is on the minus strand). VCF-style: chr17-44255206-C-T. GRCh37 (hg19) VCF-style: chr17-42332574-C-T.
Identifiers: ClinVar variation 623903 (VCV000623903.46), dbSNP rs1567830555, ClinGen allele CA399783741.